The following is an entry in ClinVar:

NM_001379270.1(CNGA1):c.545+2T>C

Genes: CNGA1 (cyclic nucleotide gated channel subunit alpha 1; minus strand), LOC101927157 (uncharacterized LOC101927157; plus strand). Cytogenetic location: 4p12.
Variant type: single nucleotide variant.
Coding change: c.545+2T>C on transcript NM_001379270.1 (MANE Select); the canonical splice donor site of the intron after coding-DNA position 545, T replaced by C.
Molecular consequence: splice donor variant.
Genome position (GRCh38, 1-based): chr4:47,942,039, A>G on the plus strand (T>C on the coding strand, the complement: CNGA1 is on the minus strand). VCF-style: chr4-47942039-A-G. GRCh37 (hg19) VCF-style: chr4-47944056-A-G.
Other names: c.545+2T>C (NM_000087.5, NM_001142564.2).
Identifiers: ClinVar variation 2132076 (VCV002132076.5), dbSNP rs1578066770, ClinGen allele CA356831353.
Genomic context (GRCh38, chr4:47,942,039, plus strand): 5'-TGAACTTGGAAACTAGAAATGGGGTGAGATCCACAAAAAAAAAAAAAAAAAATTATAGAC[A>G]CCTGGCAATAACCATTGTCCAGTTGTACATAACAGGTAATGTGATGCAAAACAGCCAGTT-3'

ClinVar aggregate classification (germline): Likely pathogenic. Review status: criteria provided, multiple submitters, no conflicts (2 of 4 stars). 2 submissions from 2 submitters: Likely pathogenic (2). Last evaluated 2022-11-01.

Conditions:
CNGA1-related disorder. Also called: CNGA1-related condition.

Submissions (2):

Labcorp Genetics (formerly Invitae), Labcorp
Classification: Likely pathogenic. Last evaluated: 2022-11-01. Review status: criteria provided, single submitter. Criteria: Invitae Variant Classification Sherloc (09022015). Collection method: clinical testing. Allele origin: germline.
Comment: This sequence change affects a donor splice site in intron 9 of the CNGA1 gene. It is expected to disrupt RNA splicing. Variants that disrupt the donor or acceptor splice site typically lead to a loss of protein function (PMID: 16199547), and loss-of-function variants in CNGA1 are known to be pathogenic (PMID: 7479749, 25268133). This variant is not present in population databases (gnomAD no frequency). This variant has not been reported in the literature in individuals affected with CNGA1-related conditions. Algorithms developed to predict the effect of sequence changes on RNA splicing suggest that this variant may disrupt the consensus splice site. In summary, the currently available evidence indicates that the variant is pathogenic, but additional data are needed to prove that conclusively. Therefore, this variant has been classified as Likely Pathogenic.

Blueprint Genetics
Classification: Likely pathogenic for CNGA1-related disorders. Last evaluated: 2022-05-11. Review status: criteria provided, single submitter. Criteria: ACMG Guidelines, 2015. Collection method: clinical testing. Allele origin: germline. Affected: yes. Observed: 3 variant alleles.

Literature cited by the submitters: PubMed 16199547 (cited by Labcorp Genetics (formerly Invitae), Labcorp); PubMed 7479749 (cited by Labcorp Genetics (formerly Invitae), Labcorp); PubMed 25268133 (cited by Labcorp Genetics (formerly Invitae), Labcorp).